The following is an entry in ClinVar:

ClinVar aggregate classification (germline): Pathogenic (1 of 4 stars; one submission).

Submission:

Labcorp Genetics (formerly Invitae), Labcorp
Classification: Pathogenic. Last evaluated: 2023-07-18. Review status: criteria provided, single submitter. Criteria: Invitae Variant Classification Sherloc (09022015). Collection method: clinical testing. Allele origin: unknown.
Comment: For these reasons, this variant has been classified as Pathogenic. A similar copy number variant has been observed in individual(s) with retinitis pigmentosa (PMID: 31814702). This variant is a gross deletion of the genomic region encompassing exon(s) 6-8 of the EYS gene. This deletion is out-of-frame, and is expected to create a premature termination codon and result in an absent or disrupted protein product. Loss-of-function variants in EYS are known to be pathogenic (PMID: 18836446, 20333770).

Literature cited by the submitters: PubMed 31814702; PubMed 18836446; PubMed 20333770.

NC_000006.11:g.(?_66094259)_(66115280_?)del

Gene: EYS (eyes shut homolog; minus strand). Cytogenetic location: 6q12.
Variant type: Deletion.
Identifiers: ClinVar variation 3246127 (VCV003246127.1).